The following is an entry in ClinVar:

NM_022114.4(PRDM16):c.866T>G (p.Met289Arg)

Gene: PRDM16 (PR/SET domain 16; plus strand). Cytogenetic location: 1p36.32.
Variant type: single nucleotide variant.
Coding change: c.866T>G on transcript NM_022114.4 (MANE Select); coding-DNA position 866, T replaced by G.
Protein change: p.Met289Arg; replaces methionine 289 with arginine.
Molecular consequence: missense variant.
Genome position (GRCh38, 1-based): chr1:3,402,980, T>G. VCF-style: chr1-3402980-T-G. GRCh37 (hg19) VCF-style: chr1-3319544-T-G.
Other names: c.866T>G, p.Met289Arg (NM_199454.3); short protein forms M289R.
Identifiers: ClinVar variation 4853600 (VCV004853600.1).
Genomic context (GRCh38, chr1:3,402,980, plus strand): 5'-AGCCCGAGGGCCTTGGCGGTGGCAGCGGCCAAGCCCACGAGTGCAAGGACTGCGAGCGGA[T>G]GTTCCCCAACAAGTACAGGTGCCACGCCCTCCTCTGAGTCTTCCTCCCCTTCCCGTACCC-3'
Protein context (NP_071397.3, residues 279-299): QAHECKDCER[Met289Arg]FPNKYSLEQH

ClinVar aggregate classification (germline): Uncertain significance (1 of 4 stars; one submission).

gnomAD v4.1: 23 of 1,608,436 alleles (0.0014%); highest among the groups gnomAD compares: Non-Finnish European, 0.002%; no homozygotes.

Submission:

Women's Health and Genetics/Laboratory Corporation of America, LabCorp
Classification: Uncertain significance. Last evaluated: 2026-05-04. Review status: criteria provided, single submitter. Criteria: LabCorp Variant Classification Summary - May 2015. Collection method: clinical testing. Allele origin: germline.
Comment: Variant summary: PRDM16 c.866T>G (p.Met289Arg) results in a non-conservative amino acid change in the encoded protein sequence. Algorithms developed to predict the effect of missense changes on protein structure and function are either unavailable or do not agree on the potential impact of this missense change. The variant allele was found at a frequency of 8.1e-06 in 246412 control chromosomes. The available data on variant occurrences in the general population are insufficient to allow any conclusion about variant significance. To our knowledge, no occurrence of c.866T>G in individuals affected with PRDM16-related conditions and no experimental evidence demonstrating its impact on protein function have been reported. No submitters have cited clinical-significance assessments for this variant to ClinVar. Based on the evidence outlined above, the variant was classified as uncertain significance.